The following is an entry in ClinVar:

NM_020297.4(ABCC9):c.*7G>A

Genes: ABCC9 (ATP binding cassette subfamily C member 9; minus strand), KCNJ8-AS1 (KCNJ8 antisense RNA 1; plus strand). Cytogenetic location: 12p12.1.
Variant type: single nucleotide variant.
Coding change: c.*7G>A on transcript NM_020297.4 (MANE Select); 7 bases downstream of the stop codon, G replaced by A.
Molecular consequence: 3 prime UTR variant.
Genome position (GRCh38, 1-based): chr12:21,801,037, C>T on the plus strand (G>A on the coding strand, the complement: ABCC9 is on the minus strand). VCF-style: chr12-21801037-C-T. GRCh37 (hg19) VCF-style: chr12-21953971-C-T.
Other names: c.*7G>A (NM_001377273.1, NM_001377274.1, NM_020297.3); c.*183G>A (NM_005691.4).
Identifiers: ClinVar variation 1189888 (VCV001189888.5), dbSNP rs180770035, ClinGen allele CA6480767.

ClinVar aggregate classification (germline): Likely benign. Review status: criteria provided, single submitter (1 of 4 stars). 2 submissions from 2 submitters: Likely benign (1). 1 of the submissions does not count toward it. Last evaluated 2022-11-17.

Conditions:
ABCC9-related disorder. Also called: ABCC9-related condition; ABCC9-related disorders.

Allele frequency attached by ClinVar (database versions not stated): gnomAD exomes 0.00002 and 0.00005; ExAC 0.00006; ESP Exome Variant Server 0.00015; gnomAD 0.00029; TOPMed 0.00031; 1000 Genomes Project 30x 0.00047; 1000 Genomes Project 0.00060.
gnomAD v4.1: 72 of 1,613,680 alleles (0.0045%); highest among the groups gnomAD compares: African/African-American, 0.089%; no homozygotes.

Submissions (2):

GeneDx
Classification: Likely benign. Last evaluated: 2022-11-17. Review status: criteria provided, single submitter. Criteria: GeneDx Variant Classification Process June 2021. Collection method: clinical testing. Allele origin: germline. Affected: yes.
Comment: See Variant Classification Assertion Criteria.

PreventionGenetics, part of Exact Sciences
Classification: Likely benign for ABCC9-related condition. Last evaluated: 2019-11-18. Review status: no assertion criteria provided. Collection method: clinical testing. Allele origin: germline. Not counted in ClinVar's aggregate classification.
Comment: This variant is classified as likely benign based on ACMG/AMP sequence variant interpretation guidelines (Richards et al. 2015 PMID: 25741868, with internal and published modifications).